The following is an entry in ClinVar:

ClinVar aggregate classification (germline): Uncertain significance (1 of 4 stars; one submission).

gnomAD v4.1: 3 of 1,614,030 alleles (0.00019%); highest among the groups gnomAD compares: Admixed American, 0.0033%; no homozygotes.

Submission:

Labcorp Genetics (formerly Invitae), Labcorp
Classification: Uncertain significance. Last evaluated: 2022-05-27. Review status: criteria provided, single submitter. Criteria: Invitae Variant Classification Sherloc (09022015). Collection method: clinical testing. Allele origin: germline.
Comment: In summary, the available evidence is currently insufficient to determine the role of this variant in disease. Therefore, it has been classified as a Variant of Uncertain Significance. Algorithms developed to predict the effect of missense changes on protein structure and function are either unavailable or do not agree on the potential impact of this missense change (SIFT: "Deleterious"; PolyPhen-2: "Probably Damaging"; Align-GVGD: "Class C0"). This variant has not been reported in the literature in individuals affected with NEK2-related conditions. This variant is present in population databases (no rsID available, gnomAD 0.006%). This sequence change replaces arginine, which is basic and polar, with cysteine, which is neutral and slightly polar, at codon 60 of the NEK2 protein (p.Arg60Cys).

NM_002497.4(NEK2):c.178C>T (p.Arg60Cys)

Gene: NEK2 (NIMA related kinase 2; minus strand). Cytogenetic location: 1q32.3.
Variant type: single nucleotide variant.
Coding change: c.178C>T on transcript NM_002497.4 (MANE Select); coding-DNA position 178, C replaced by T.
Protein change: p.Arg60Cys; replaces arginine 60 with cysteine.
Molecular consequence: missense variant.
Genome position (GRCh38, 1-based): chr1:211,674,432, G>A on the plus strand (C>T on the coding strand, the complement: NEK2 is on the minus strand). VCF-style: chr1-211674432-G-A. GRCh37 (hg19) VCF-style: chr1-211847774-G-A.
Other names: c.178C>T, p.Arg60Cys (NM_001204182.2, NM_001204183.2); short protein forms R60C.
Identifiers: ClinVar variation 1999555 (VCV001999555.4), dbSNP rs1438076471, ClinGen allele CA344785397.